The following is an entry in ClinVar:

ClinVar aggregate classification (germline): Likely pathogenic (1 of 4 stars; one submission).

Submission:

GeneDx
Classification: Likely pathogenic. Last evaluated: 2026-01-26. Review status: criteria provided, single submitter. Criteria: GeneDx Variant Classification Process June 2021. Collection method: clinical testing. Allele origin: germline. Affected: yes.
Comment: In silico analysis supports a deleterious effect on splicing; Not observed at significant frequency in large population cohorts (gnomAD); This variant is associated with the following publications: (PMID: 40028240)

NM_001165963.4(SCN1A):c.2415+4A>G

Gene: SCN1A (sodium voltage-gated channel alpha subunit 1; minus strand). Cytogenetic location: 2q24.3.
Variant type: single nucleotide variant.
Coding change: c.2415+4A>G on transcript NM_001165963.4 (MANE Select); 4 bases into the intron after coding-DNA position 2415, A replaced by G.
Molecular consequence: intron variant. On other transcripts: 5 prime UTR variant (1).
Genome position (GRCh38, 1-based): chr2:166,041,227, T>C on the plus strand (A>G on the coding strand, the complement: SCN1A is on the minus strand). VCF-style: chr2-166041227-T-C. GRCh37 (hg19) VCF-style: chr2-166897737-T-C.
Other names: c.-40A>G (NM_001353961.2); c.2382+4A>G (NM_001353949.2, NM_001353950.2, NM_001353951.2 and 2 more transcripts); c.2331+4A>G (NM_001353958.2, NM_001353957.2, NM_001165964.3); c.2415+4A>G (NM_001202435.3, NM_001353948.2); c.2379+4A>G (NM_001353955.2, NM_001353954.2); c.2328+4A>G (NM_001353960.2).
Identifiers: ClinVar variation 452472 (VCV000452472.3), dbSNP rs1553543148, ClinGen allele CA658657109.